The following is an entry in ClinVar:

NM_000414.4(HSD17B4):c.1516_1517insAA (p.Arg506fs)

Gene: HSD17B4 (hydroxysteroid 17-beta dehydrogenase 4; plus strand). Cytogenetic location: 5q23.1.
Variant type: Insertion.
Coding change: c.1516_1517insAA on transcript NM_000414.4 (MANE Select); coding-DNA positions 1516 to 1517, AA inserted.
Protein change: p.Arg506fs; shifts the reading frame from arginine 506.
Molecular consequence: frameshift variant. On other transcripts: non-coding transcript variant (2).
Genome position: GRCh38 VCF-style: chr5-119525228-C-CAA. GRCh37 (hg19) VCF-style: chr5-118860923-C-CAA.
Other names: c.1591_1592insAA, p.Arg531fs (NM_001199291.3); c.1462_1463insAA, p.Arg488fs (NM_001199292.2); c.1444_1445insAA, p.Arg482fs (NM_001292027.2, NM_001374498.1); c.1096_1097insAA, p.Arg366fs (NM_001292028.2); c.1507_1508insAA, p.Arg503fs (NM_001374497.1); c.1189_1190insAA, p.Arg397fs (NM_001374499.1); c.1075_1076insAA, p.Arg359fs (NM_001374500.1); c.1105_1106insAA, p.Arg369fs (NM_001374501.1, NM_001374502.1, NM_001374503.1); and 1 more; short protein forms R369fs, R503fs, R506fs, R397fs, R531fs, R366fs, R482fs, R359fs.
Identifiers: ClinVar variation 3591584 (VCV003591584.2).

ClinVar aggregate classification (germline): Likely pathogenic. Review status: criteria provided, multiple submitters, no conflicts (2 of 4 stars). 2 submissions from 2 submitters: Likely pathogenic (2). Last evaluated 2025-04-21.

Conditions:
Bifunctional peroxisomal enzyme deficiency (DBIF). Also called: D-bifunctional protein deficiency; DBP DEFICIENCY; PBFE DEFICIENCY. Identifiers: Orphanet 300, MedGen C0342870, MONDO:0009855, OMIM 261515. Disease mechanism: loss of function.
Perrault syndrome 1 (PRLTS1). Also called: GONADAL DYSGENESIS, XX TYPE, WITH DEAFNESS; OVARIAN DYSGENESIS WITH SENSORINEURAL DEAFNESS. Identifiers: Orphanet 2855, Orphanet 642945, MedGen C4551721, MONDO:0009300, OMIM 233400.

Submissions (2):

Natera, Inc.
Classification: Likely pathogenic for Bifunctional peroxisomal enzyme deficiency. Last evaluated: 2025-04-21. Review status: criteria provided, single submitter. Criteria: Natera Variant Classification Schema (03/2026). Collection method: clinical testing. Allele origin: germline.
Comment: The c.1516_1517insAA variant in HSD17B4 is a frameshift variant predicted to shift the reading frame beginning at codon 506 and leads to a stop codon 19 codons downstream. This variant is expected to result in nonsense mediated decay, truncation, or a dysfunctional protein product. This variant is rare in the general population with a frequency below the threshold expected for the associated phenotype(s). Given the available evidence, this variant is classified as Likely Pathogenic.

Fulgent Genetics
Classification: Likely pathogenic for Perrault syndrome 1; Bifunctional peroxisomal enzyme deficiency. Last evaluated: 2024-02-07. Review status: criteria provided, single submitter. Criteria: ACMG Guidelines, 2015. Collection method: clinical testing. Allele origin: germline.